The following is an entry in ClinVar:

NM_002906.4(RDX):c.401A>G (p.Tyr134Cys)

Gene: RDX (radixin; minus strand). Cytogenetic location: 11q22.3.
Variant type: single nucleotide variant.
Coding change: c.401A>G on transcript NM_002906.4 (MANE Select); coding-DNA position 401, A replaced by G.
Protein change: p.Tyr134Cys; replaces tyrosine 134 with cysteine.
Molecular consequence: missense variant. On other transcripts: intron variant (2).
Genome position (GRCh38, 1-based): chr11:110,264,026, T>C on the plus strand (A>G on the coding strand, the complement: RDX is on the minus strand). VCF-style: chr11-110264026-T-C. GRCh37 (hg19) VCF-style: chr11-110134751-T-C.
Other names: c.401A>G, p.Tyr134Cys (NM_001260492.2, NM_001260493.2); c.305A>G, p.Tyr102Cys (NM_001260496.2); c.-83+15655A>G (NM_001260495.2); c.60-5837A>G (NM_001260494.2); short protein forms Y102C, Y134C.
Identifiers: ClinVar variation 1706383 (VCV001706383.3), dbSNP rs768988858, ClinGen allele CA6270335.

ClinVar aggregate classification (germline): Uncertain significance (1 of 4 stars; one submission).

Allele frequency attached by ClinVar (database versions not stated): TOPMed below 0.00001; ExAC 0.00002; gnomAD exomes 0.00001.
gnomAD v4.1: 4 of 1,613,604 alleles (0.00025%); highest among the groups gnomAD compares: Admixed American, 0.0017%; no homozygotes.

Submission:

GeneDx
Classification: Uncertain significance. Last evaluated: 2023-03-02. Review status: criteria provided, single submitter. Criteria: GeneDx Variant Classification Process June 2021. Collection method: clinical testing. Allele origin: germline.
Comment: Not observed at significant frequency in large population cohorts (gnomAD); In silico analysis supports that this missense variant has a deleterious effect on protein structure/function; Has not been previously published as pathogenic or benign to our knowledge